The following is an entry in ClinVar:

NM_005188.4(CBL):c.1022A>T (p.Asp341Val)

Gene: CBL (Cbl proto-oncogene; plus strand). Cytogenetic location: 11q23.3.
Variant type: single nucleotide variant.
Coding change: c.1022A>T on transcript NM_005188.4 (MANE Select); coding-DNA position 1022, A replaced by T.
Protein change: p.Asp341Val; replaces aspartic acid 341 with valine.
Molecular consequence: missense variant.
Genome position (GRCh38, 1-based): chr11:119,277,771, A>T. VCF-style: chr11-119277771-A-T. GRCh37 (hg19) VCF-style: chr11-119148481-A-T.
Other names: short protein forms D341V.
Identifiers: ClinVar variation 3996009 (VCV003996009.1).

ClinVar aggregate classification (germline): Uncertain significance (1 of 4 stars; one submission).

Conditions:
Cardiovascular phenotype. Identifiers: MedGen CN230736.

Submission:

Ambry Genetics
Classification: Uncertain significance for Cardiovascular phenotype. Last evaluated: 2025-04-11. Review status: criteria provided, single submitter. Criteria: Ambry Variant Classification Scheme 2023. Collection method: clinical testing. Allele origin: germline.
Comment: The p.D341V variant (also known as c.1022A>T), located in coding exon 7 of the CBL gene, results from an A to T substitution at nucleotide position 1022. The aspartic acid at codon 341 is replaced by valine, an amino acid with highly dissimilar properties. This amino acid position is conserved. In addition, this alteration is predicted to be deleterious by in silico analysis. Based on the available evidence, the clinical significance of this variant remains unclear.